The following is an entry in ClinVar:

NM_001845.6(COL4A1):c.616-10T>A

Gene: COL4A1 (collagen type IV alpha 1 chain; minus strand). Cytogenetic location: 13q34.
Variant type: single nucleotide variant.
Coding change: c.616-10T>A on transcript NM_001845.6 (MANE Select); 10 bases into the intron before coding-DNA position 616, T replaced by A.
Molecular consequence: intron variant.
Genome position (GRCh38, 1-based): chr13:110,209,437, A>T on the plus strand (T>A on the coding strand, the complement: COL4A1 is on the minus strand). VCF-style: chr13-110209437-A-T. GRCh37 (hg19) VCF-style: chr13-110861784-A-T.
Other names: c.616-10T>A (NM_001303110.2).
Identifiers: ClinVar variation 1878817 (VCV001878817.2), dbSNP rs2501592996, ClinGen allele CA2580087135.

ClinVar aggregate classification (germline): Uncertain significance (1 of 4 stars; one submission).

gnomAD v4.1: 1 of 1,595,176 alleles (0.000063%); highest among the groups gnomAD compares: Non-Finnish European, 0.000085%; no homozygotes.

Submission:

GeneDx
Classification: Uncertain significance. Last evaluated: 2025-08-14. Review status: criteria provided, single submitter. Criteria: GeneDx Variant Classification Process June 2021. Collection method: clinical testing. Allele origin: germline. Affected: yes.
Comment: Not observed at significant frequency in large population cohorts (gnomAD); In silico analysis supports a deleterious effect on splicing; Has not been previously published as pathogenic or benign to our knowledge